The following is an entry in ClinVar:

ClinVar aggregate classification (germline): Uncertain significance. Review status: criteria provided, multiple submitters, no conflicts (2 of 4 stars). 2 submissions from 2 submitters: Uncertain significance (2). Last evaluated 2023-09-18.

Allele frequency attached by ClinVar (database versions not stated): ExAC 0.00002; gnomAD 0.00006 and 0.00009; TOPMed 0.00006; 1000 Genomes Project 30x 0.00031; 1000 Genomes Project 0.00040.
gnomAD v4.1: 30 of 1,581,090 alleles (0.0019%); highest among the groups gnomAD compares: African/African-American, 0.019%; no homozygotes.

Submissions (2):

Blueprint Genetics
Classification: Uncertain significance. Last evaluated: 2023-09-18. Review status: criteria provided, single submitter. Criteria: ACMG Guidelines, 2015. Collection method: clinical testing. Allele origin: germline.

Labcorp Genetics (formerly Invitae), Labcorp
Classification: Uncertain significance. Last evaluated: 2022-08-09. Review status: criteria provided, single submitter. Criteria: Invitae Variant Classification Sherloc (09022015). Collection method: clinical testing. Allele origin: germline.
Comment: This sequence change replaces valine, which is neutral and non-polar, with methionine, which is neutral and non-polar, at codon 1038 of the PCARE protein (p.Val1038Met). This variant is present in population databases (rs192103326, gnomAD 0.009%). This variant has not been reported in the literature in individuals affected with PCARE-related conditions. ClinVar contains an entry for this variant (Variation ID: 935252). Algorithms developed to predict the effect of missense changes on protein structure and function output the following: SIFT: "Tolerated"; PolyPhen-2: "Benign"; Align-GVGD: "Class C0". The methionine amino acid residue is found in multiple mammalian species, which suggests that this missense change does not adversely affect protein function. In summary, the available evidence is currently insufficient to determine the role of this variant in disease. Therefore, it has been classified as a Variant of Uncertain Significance.

NM_001029883.3(PCARE):c.3112G>A (p.Val1038Met)

Gene: PCARE (photoreceptor cilium actin regulator; minus strand). Cytogenetic location: 2p23.2.
Variant type: single nucleotide variant.
Coding change: c.3112G>A on transcript NM_001029883.3 (MANE Select); coding-DNA position 3112, G replaced by A.
Protein change: p.Val1038Met; replaces valine 1038 with methionine.
Molecular consequence: missense variant.
Genome position (GRCh38, 1-based): chr2:29,071,150, C>T on the plus strand (G>A on the coding strand, the complement: PCARE is on the minus strand). VCF-style: chr2-29071150-C-T. GRCh37 (hg19) VCF-style: chr2-29294016-C-T.
Other names: short protein forms V1038M.
Identifiers: ClinVar variation 935252 (VCV000935252.9), dbSNP rs192103326, ClinGen allele CA1592018.